The following is an entry in ClinVar:

NM_020822.3(KCNT1):c.1893G>T (p.Glu631Asp)

Gene: KCNT1 (potassium sodium-activated channel subfamily T member 1; plus strand). Cytogenetic location: 9q34.3.
Variant type: single nucleotide variant.
Coding change: c.1893G>T on transcript NM_020822.3 (MANE Select); coding-DNA position 1893, G replaced by T.
Protein change: p.Glu631Asp; replaces glutamic acid 631 with aspartic acid.
Molecular consequence: missense variant.
Genome position (GRCh38, 1-based): chr9:135,770,980, G>T. VCF-style: chr9-135770980-G-T. GRCh37 (hg19) VCF-style: chr9-138662826-G-T.
Other names: c.1758G>T, p.Glu586Asp (NM_001272003.2); short protein forms E631D, E586D.
Identifiers: ClinVar variation 4782565 (VCV004782565.1).

ClinVar aggregate classification (germline): Uncertain significance (1 of 4 stars; one submission).

Conditions:
Autosomal dominant nocturnal frontal lobe epilepsy 5. Also called: CILIARY DYSKINESIA, PRIMARY, 28, WITHOUT SITUS INVERSUS; CILIARY DYSKINESIA, PRIMARY, 28, WITH SITUS INVERSUS; KCNT1-Related Epilepsy; Epilepsy, nocturnal frontal lobe, 5. Identifiers: Orphanet 98784, MedGen C3554306, MONDO:0014002, OMIM 615005.
Developmental and epileptic encephalopathy, 14 (DEE14). Also called: Early infantile epileptic encephalopathy 14. Identifiers: Orphanet 293181, MedGen C3554195, MONDO:0013989, OMIM 614959.

gnomAD v4.1: 3 of 1,614,002 alleles (0.00019%); highest among the groups gnomAD compares: Non-Finnish European, 0.00025%; no homozygotes.

Submission:

Labcorp Genetics (formerly Invitae), Labcorp
Classification: Uncertain significance for Autosomal dominant nocturnal frontal lobe epilepsy 5; Developmental and epileptic encephalopathy, 14. Last evaluated: 2025-05-22. Review status: criteria provided, single submitter. Criteria: Invitae Variant Classification Sherloc (09022015). Collection method: clinical testing. Allele origin: germline.
Comment: This sequence change replaces glutamic acid, which is acidic and polar, with aspartic acid, which is acidic and polar, at codon 631 of the KCNT1 protein (p.Glu631Asp). This variant is not present in population databases (gnomAD no frequency). This variant has not been reported in the literature in individuals affected with KCNT1-related conditions. Invitae Evidence Modeling of protein sequence and biophysical properties (such as structural, functional, and spatial information, amino acid conservation, physicochemical variation, residue mobility, and thermodynamic stability) indicates that this missense variant is expected to disrupt KCNT1 protein function with a positive predictive value of 80%. In summary, the available evidence is currently insufficient to determine the role of this variant in disease. Therefore, it has been classified as a Variant of Uncertain Significance.